The following is an entry in ClinVar:

NM_001854.4(COL11A1):c.52A>G (p.Thr18Ala)

Gene: COL11A1 (collagen type XI alpha 1 chain; minus strand). Cytogenetic location: 1p21.1.
Variant type: single nucleotide variant.
Coding change: c.52A>G on transcript NM_001854.4 (MANE Select); coding-DNA position 52, A replaced by G.
Protein change: p.Thr18Ala; replaces threonine 18 with alanine.
Molecular consequence: missense variant. On other transcripts: non-coding transcript variant (1).
Genome position (GRCh38, 1-based): chr1:103,108,127, T>C on the plus strand (A>G on the coding strand, the complement: COL11A1 is on the minus strand). VCF-style: chr1-103108127-T-C. GRCh37 (hg19) VCF-style: chr1-103573683-T-C.
Other names: c.52A>G, p.Thr18Ala (NM_001190709.2, NM_080629.3, NM_080630.4); short protein forms T18A.
Identifiers: ClinVar variation 1307859 (VCV001307859.2), dbSNP rs114630202, ClinGen allele CA975585.

ClinVar aggregate classification (germline): Uncertain significance (1 of 4 stars; one submission).

gnomAD v4.1: 1 of 1,613,752 alleles (0.000062%); highest among the groups gnomAD compares: South Asian, 0.0011%; no homozygotes.

Submission:

GeneDx
Classification: Uncertain significance. Last evaluated: 2020-10-27. Review status: criteria provided, single submitter. Criteria: GeneDx Variant Classification Process June 2021. Collection method: clinical testing. Allele origin: germline. Affected: yes.
Comment: Not observed at a significant frequency in large population cohorts (Lek et al., 2016); In silico analysis, which includes protein predictors and evolutionary conservation, supports that this variant does not alter protein structure/function; Has not been previously published as pathogenic or benign to our knowledge